The following is an entry in ClinVar:

NM_007294.4(BRCA1):c.565G>T (p.Asp189Tyr)

Gene: BRCA1 (BRCA1 DNA repair associated; minus strand). Cytogenetic location: 17q21.31.
Variant type: single nucleotide variant.
Coding change: c.565G>T on transcript NM_007294.4 (MANE Select); coding-DNA position 565, G replaced by T.
Protein change: p.Asp189Tyr; replaces aspartic acid 189 with tyrosine.
Molecular consequence: missense variant. On other transcripts: intron variant (115).
Genome position (GRCh38, 1-based): chr17:43,097,272, C>A on the plus strand (G>T on the coding strand, the complement: BRCA1 is on the minus strand). VCF-style: chr17-43097272-C-A. GRCh37 (hg19) VCF-style: chr17-41249289-C-A.
Other names: c.352G>T, p.Asp118Tyr (NM_001407571.1, NM_001407853.1, NM_001407894.1 and 12 more transcripts); c.565G>T, p.Asp189Tyr (NM_001407581.1, NM_001407582.1, NM_001407583.1 and 59 more transcripts); c.562G>T, p.Asp188Tyr (NM_001407587.1, NM_001407590.1, NM_001407591.1 and 41 more transcripts); c.556G>T, p.Asp186Tyr (NM_001407646.1, NM_001407647.1, NM_001408408.1); c.487G>T, p.Asp163Tyr (NM_001407653.1, NM_001407654.1, NM_001407655.1 and 9 more transcripts); c.484G>T, p.Asp162Tyr (NM_001407659.1, NM_001407660.1, NM_001407661.1 and 3 more transcripts); c.424G>T, p.Asp142Tyr (NM_001407692.1, NM_001407694.1, NM_001407695.1 and 43 more transcripts); c.421G>T, p.Asp141Tyr (NM_001407740.1, NM_001407741.1, NM_001407742.1 and 26 more transcripts); and 17 more; short protein forms D163Y, D186Y, D118Y, D141Y, D188Y, D62Y, D142Y, D144Y.
Identifiers: ClinVar variation 2585846 (VCV002585846.2), dbSNP rs2154521501, ClinGen allele CA10600995.

ClinVar aggregate classification (germline): Uncertain significance (1 of 4 stars; one submission).

Conditions:
Hereditary cancer-predisposing syndrome. Also called: Hereditary neoplastic syndrome; Tumor predisposition; Hereditary Cancer Syndrome; Neoplastic Syndromes, Hereditary. Identifiers: Orphanet 140162, MedGen C0027672, MeSH D009386, MONDO:0015356.

Submission:

Ambry Genetics
Classification: Uncertain significance for Hereditary cancer-predisposing syndrome. Last evaluated: 2023-09-07. Review status: criteria provided, single submitter. Criteria: Ambry Variant Classification Scheme 2023. Collection method: clinical testing. Allele origin: germline.
Comment: The p.D189Y variant (also known as c.565G>T), located in coding exon 7 of the BRCA1 gene, results from a G to T substitution at nucleotide position 565. The aspartic acid at codon 189 is replaced by tyrosine, an amino acid with highly dissimilar properties. This amino acid position is well conserved in available vertebrate species. In addition, this alteration is predicted to be deleterious by in silico analysis. Since supporting evidence is limited at this time, the clinical significance of this alteration remains unclear.